The following is an entry in ClinVar:

ClinVar aggregate classification (germline): Uncertain significance. Review status: criteria provided, single submitter (1 of 4 stars). 2 submissions from 2 submitters: Uncertain significance (1). 1 of the submissions does not count toward it. Last evaluated 2025-03-10.

Conditions:
Phenylketonuria (PKU). Also called: OLIGOPHRENIA PHENYLPYRUVICA; Phenylketonuria (PKU); Phenylketonurias; FOLLING DISEASE. Identifiers: Orphanet 716, MedGen C0031485, MONDO:0009861, OMIM 261600. Disease mechanism: loss of function.

Submissions (2):

Labcorp Genetics (formerly Invitae), Labcorp
Classification: Uncertain significance for Phenylketonuria. Last evaluated: 2025-03-10. Review status: criteria provided, single submitter. Criteria: Invitae Variant Classification Sherloc (09022015). Collection method: clinical testing. Allele origin: germline.
Comment: This sequence change replaces isoleucine, which is neutral and non-polar, with methionine, which is neutral and non-polar, at codon 35 of the PAH protein (p.Ile35Met). This variant is not present in population databases (gnomAD no frequency). This missense change has been observed in individual(s) with clinical features of hyperphenylalaninemia (PMID: 32668217; internal data). In at least one individual the data is consistent with being in trans (on the opposite chromosome) from a pathogenic variant. ClinVar contains an entry for this variant (Variation ID: 991625). Invitae Evidence Modeling of protein sequence and biophysical properties (such as structural, functional, and spatial information, amino acid conservation, physicochemical variation, residue mobility, and thermodynamic stability) indicates that this missense variant is not expected to disrupt PAH protein function with a negative predictive value of 80%. In summary, the available evidence is currently insufficient to determine the role of this variant in disease. Therefore, it has been classified as a Variant of Uncertain Significance.

Natera, Inc.
Classification: Uncertain significance for Phenylketonuria. Last evaluated: 2020-04-17. Review status: no assertion criteria provided. Collection method: clinical testing. Allele origin: germline. Not counted in ClinVar's aggregate classification.

Literature cited by the submitters: PubMed 32668217 (cited by Labcorp Genetics (formerly Invitae), Labcorp).

NM_000277.3(PAH):c.105A>G (p.Ile35Met)

Gene: PAH (phenylalanine hydroxylase; minus strand). Cytogenetic location: 12q23.2.
Variant type: single nucleotide variant.
Coding change: c.105A>G on transcript NM_000277.3 (MANE Select); coding-DNA position 105, A replaced by G.
Protein change: p.Ile35Met; replaces isoleucine 35 with methionine.
Molecular consequence: missense variant.
Genome position (GRCh38, 1-based): chr12:102,912,854, T>C on the plus strand (A>G on the coding strand, the complement: PAH is on the minus strand). VCF-style: chr12-102912854-T-C. GRCh37 (hg19) VCF-style: chr12-103306632-T-C.
Other names: c.105A>G, p.Ile35Met (NM_001354304.2); short protein forms I35M.
Identifiers: ClinVar variation 991625 (VCV000991625.2), dbSNP rs768048739, ClinGen allele CA386302555.